The following is an entry in ClinVar:

ClinVar aggregate classification (germline): Uncertain significance (1 of 4 stars; one submission).

Conditions:
Hereditary cancer-predisposing syndrome. Also called: Tumor predisposition; Hereditary neoplastic syndrome; Neoplastic Syndromes, Hereditary; Hereditary Cancer Syndrome. Identifiers: Orphanet 140162, MedGen C0027672, MeSH D009386, MONDO:0015356.

gnomAD v4.1: 2 of 1,613,602 alleles (0.00012%); highest among the groups gnomAD compares: Non-Finnish European, 0.00017%; no homozygotes.

Submission:

Ambry Genetics
Classification: Uncertain significance for Hereditary cancer-predisposing syndrome. Last evaluated: 2025-04-20. Review status: criteria provided, single submitter. Criteria: Ambry Variant Classification Scheme 2023. Collection method: clinical testing. Allele origin: germline.
Comment: The p.A685V variant (also known as c.2054C>T), located in coding exon 14 of the CTNNA1 gene, results from a C to T substitution at nucleotide position 2054. The alanine at codon 685 is replaced by valine, an amino acid with similar properties. This amino acid position is conserved. In addition, the in silico prediction for this alteration is inconclusive. Based on the available evidence, the clinical significance of this variant remains unclear.

NM_001903.5(CTNNA1):c.2054C>T (p.Ala685Val)

Gene: CTNNA1 (catenin alpha 1; plus strand). Cytogenetic location: 5q31.2.
Variant type: single nucleotide variant.
Coding change: c.2054C>T on transcript NM_001903.5 (MANE Select); coding-DNA position 2054, C replaced by T.
Protein change: p.Ala685Val; replaces alanine 685 with valine.
Molecular consequence: missense variant.
Genome position (GRCh38, 1-based): chr5:138,930,516, C>T. VCF-style: chr5-138930516-C-T. GRCh37 (hg19) VCF-style: chr5-138266205-C-T.
Other names: c.944C>T, p.Ala315Val (NM_001323989.1, NM_001323990.1, NM_001323991.1 and 17 more transcripts); c.605C>T, p.Ala202Val (NM_001324008.1, NM_001324009.1, NM_001324010.1 and 2 more transcripts); c.851C>T, p.Ala284Val (NM_001324011.1); c.701C>T, p.Ala234Val (NM_001324012.1, NM_001324013.1); c.1745C>T, p.Ala582Val (NM_001290309.3); c.1685C>T, p.Ala562Val (NM_001290310.3); c.2054C>T, p.Ala685Val (NM_001323982.2, NM_001323983.1, NM_001323984.2 and 2 more transcripts); c.1961C>T, p.Ala654Val (NM_001323986.2); short protein forms A284V, A582V, A685V, A315V, A562V, A202V, A234V, A654V.
Identifiers: ClinVar variation 4007984 (VCV004007984.1).
Genomic context (GRCh38, chr5:138,930,516, plus strand): 5'-TGTGCTTCTGATCACAGGCGATCATGGCTCAGCTTCCCCAGGAGCAAAAAGCGAAGATTG[C>T]GGAACAGGTGGCCAGCTTCCAGGAAGAAAAGAGCAAGCTGGATGCTGAAGTGTCCAAATG-3'
Protein context (NP_001894.2, residues 675-695): QLPQEQKAKI[Ala685Val]EQVASFQEEK